The following is an entry in ClinVar:

ClinVar aggregate classification (germline): Uncertain significance (1 of 4 stars; one submission).

Conditions:
Fanconi anemia (FA). Also called: Fanconi's anemia. Identifiers: Orphanet 84, MedGen C0015625, MeSH D005199, MONDO:0019391.

Allele frequency attached by ClinVar (database versions not stated): TOPMed 0.00001.
gnomAD v4.1: 20 of 1,614,070 alleles (0.0012%); highest among the groups gnomAD compares: Non-Finnish European, 0.0015%; no homozygotes.

Submission:

Labcorp Genetics (formerly Invitae), Labcorp
Classification: Uncertain significance for Fanconi anemia. Last evaluated: 2023-12-14. Review status: criteria provided, single submitter. Criteria: Invitae Variant Classification Sherloc (09022015). Collection method: clinical testing. Allele origin: germline.
Comment: This sequence change replaces serine, which is neutral and polar, with isoleucine, which is neutral and non-polar, at codon 200 of the FANCI protein (p.Ser200Ile). This variant is present in population databases (rs750121617, gnomAD 0.002%). This variant has not been reported in the literature in individuals affected with FANCI-related conditions. ClinVar contains an entry for this variant (Variation ID: 2416145). Advanced modeling of protein sequence and biophysical properties (such as structural, functional, and spatial information, amino acid conservation, physicochemical variation, residue mobility, and thermodynamic stability) performed at Invitae indicates that this missense variant is expected to disrupt FANCI protein function with a positive predictive value of 80%. In summary, the available evidence is currently insufficient to determine the role of this variant in disease. Therefore, it has been classified as a Variant of Uncertain Significance.

NM_001113378.2(FANCI):c.599G>T (p.Ser200Ile)

Gene: FANCI (FA complementation group I; plus strand). Cytogenetic location: 15q26.1.
Variant type: single nucleotide variant.
Coding change: c.599G>T on transcript NM_001113378.2 (MANE Select); coding-DNA position 599, G replaced by T.
Protein change: p.Ser200Ile; replaces serine 200 with isoleucine.
Molecular consequence: missense variant.
Genome position (GRCh38, 1-based): chr15:89,263,956, G>T. VCF-style: chr15-89263956-G-T. GRCh37 (hg19) VCF-style: chr15-89807187-G-T.
Other names: c.320G>T, p.Ser107Ile (NM_001376910.1); c.599G>T, p.Ser200Ile (NM_001376911.1, NM_018193.3); short protein forms S107I, S200I.
Identifiers: ClinVar variation 2416145 (VCV002416145.4), dbSNP rs750121617, ClinGen allele CA274538993.
Genomic context (GRCh38, chr15:89,263,956, plus strand): 5'-TCCACAGGGATGTCCCTCTGACTGCAGAAGAGGTGGAATTTGTGGTGGAAAAAGCATTGA[G>T]CATGTTCTCCAAGATGAATCTTCAAGAAATACCACCTTTGGTCTATCAGCTTCTGGTTCT-3'
Protein context (NP_001106849.1, residues 190-210): EVEFVVEKAL[Ser200Ile]MFSKMNLQEI